The following is an entry in ClinVar:

NM_001278716.2(FBXL4):c.104A>G (p.His35Arg)

Gene: FBXL4 (F-box and leucine rich repeat protein 4; minus strand). Cytogenetic location: 6q16.2.
Variant type: single nucleotide variant.
Coding change: c.104A>G on transcript NM_001278716.2 (MANE Select); coding-DNA position 104, A replaced by G.
Protein change: p.His35Arg; replaces histidine 35 with arginine.
Molecular consequence: missense variant. On other transcripts: non-coding transcript variant (2).
Genome position (GRCh38, 1-based): chr6:98,926,885, T>C on the plus strand (A>G on the coding strand, the complement: FBXL4 is on the minus strand). VCF-style: chr6-98926885-T-C. GRCh37 (hg19) VCF-style: chr6-99374761-T-C.
Other names: c.104A>G, p.His35Arg (NM_012160.5); short protein forms H35R.
Identifiers: ClinVar variation 437535 (VCV000437535.4), dbSNP rs201901274, ClinGen allele CA3933738.
Genomic context (GRCh38, chr6:98,926,885, plus strand): 5'-GCATACTGGACTACCTCTGCATTGAGAGGGGAAGTCTGGCTGTTTGATTCTATAGCTCTA[T>C]GGGTGTTCATCATTTCTCCTCTTGTAGCTGTCCTGGCTCGGCGCCGAAGGCATATATAAT-3'
Protein context (NP_001265645.1, residues 25-45): TATRGEMMNT[His35Arg]RAIESNSQTS

ClinVar aggregate classification (germline): Conflicting classifications of pathogenicity. Review status: criteria provided, conflicting classifications (1 of 4 stars). 2 submissions from 2 submitters: Uncertain significance (1); Likely benign (1). Last evaluated 2023-10-12.

Conditions:
Mitochondrial DNA depletion syndrome 13. Also called: FBXL4-Related Encephalomyopathic Mitochondrial DNA Depletion Syndrome; Mitochondrial DNA depletion syndrome 13 (encephalomyopathic type). Identifiers: Orphanet 369897, MedGen C3809592, MONDO:0014198, OMIM 615471.

Allele frequency attached by ClinVar (database versions not stated): TOPMed below 0.00001; gnomAD 0.00005 and 0.00006; gnomAD exomes 0.00007 and 0.00009; ExAC 0.00014.
gnomAD v4.1: 114 of 1,614,038 alleles (0.0071%); highest among the groups gnomAD compares: Non-Finnish European, 0.0063%; no homozygotes.

Submissions (2):

Labcorp Genetics (formerly Invitae), Labcorp
Classification: Likely benign. Last evaluated: 2023-10-12. Review status: criteria provided, single submitter. Criteria: Invitae Variant Classification Sherloc (09022015). Collection method: clinical testing. Allele origin: germline.

Wong Mito Lab, Molecular and Human Genetics, Baylor College of Medicine
Classification: Uncertain significance for Mitochondrial DNA depletion syndrome 13. Last evaluated: 2017-08-10. Review status: criteria provided, single submitter. Criteria: ACMG Guidelines, 2015. Collection method: reference population. Allele origin: germline.
Comment: The NM_012160.4:c.104A>G (NP_036292.2:p.His35Arg) [GRCH38: NC_000006.12:g.98926885T>C] variant in FBXL4 gene is interpretated to be a Uncertain Significance - Conflicting Evidence based on ACMG guidelines (PMID: 25741868). This variant meets one or more of the following evidence codes reported in the ACMG-guideline. PM2:This variant is absent in key population databases. BP4:Computational evidence/predictors indicate no impact on the FBXL4 structure, function, or protein-protein interaction. Based on this evidence code ClinGen Pathogenicity Calculator (PMID:28081714) suggested that the variant is Uncertain Significance - Conflicting Evidence.